The following is an entry in ClinVar:

NM_001365951.3(KIF1B):c.3149C>T (p.Ala1050Val)

Gene: KIF1B (kinesin family member 1B; plus strand). Cytogenetic location: 1p36.22.
Variant type: single nucleotide variant.
Coding change: c.3149C>T on transcript NM_001365951.3 (MANE Select); coding-DNA position 3149, C replaced by T.
Protein change: p.Ala1050Val; replaces alanine 1050 with valine.
Molecular consequence: missense variant.
Genome position (GRCh38, 1-based): chr1:10,337,093, C>T. VCF-style: chr1-10337093-C-T. GRCh37 (hg19) VCF-style: chr1-10397151-C-T.
Other names: c.3149C>T, p.Ala1050Val (NM_001365952.1); c.3011C>T, p.Ala1004Val (NM_015074.3); short protein forms A1004V, A1050V.
Identifiers: ClinVar variation 4881710 (VCV004881710.2).
Genomic context (GRCh38, chr1:10,337,093, plus strand): 5'-TATACTACTTTACCATGTATCTGCCCCTGCCTTTTTTTCAGAGTGACTTTTCGTCTGTTG[C>T]AATGACTCGTTCTGGTCTGTCCTTGGAGGAGTTGAGGATTGTGGAAGGACAGGGTCAGAG-3'
Protein context (NP_001352880.1, residues 1040-1060): YFNQSDFSSV[Ala1050Val]MTRSGLSLEE

ClinVar aggregate classification (germline): Uncertain significance (1 of 4 stars; one submission).

Submission:

Dasa
Classification: Uncertain significance. Last evaluated: 2025-11-17. Review status: criteria provided, single submitter. Criteria: DASA Assertion Criteria. Collection method: clinical testing. Allele origin: germline.
Comment: NM_001365951.3(KIF1B):c.3149C>T (p.Ala1050Val) is a missense variant that results in the substitution of alanine with valine. This variant is absent from population databases. Computational prediction algorithms are consistent with a benign effect. The currently available literature and clinical evidence are not sufficient to establish a definitive association between this variant and the reported condition. Therefore, this variant is classified as a variant of uncertain significance.